The following is an entry in ClinVar:

ClinVar aggregate classification (germline): Likely benign (1 of 4 stars; one submission).

Conditions:
SEMA3F-related disorder. Also called: SEMA3F-related condition.

gnomAD v4.1: 7 of 1,601,174 alleles (0.00044%); highest among the groups gnomAD compares: African/African-American, 0.0081%; no homozygotes.

Submission:

PreventionGenetics, part of Exact Sciences
Classification: Likely benign for SEMA3F-related condition. Last evaluated: 2026-06-27. Review status: criteria provided, single submitter. Criteria: ACMG Guidelines, 2015. Collection method: clinical testing. Allele origin: germline.
Comment: This variant is classified as likely benign based on ACMG/AMP sequence variant interpretation guidelines (Richards et al. 2015 PMID: 25741868, with internal and published modifications).

NM_004186.5(SEMA3F):c.2262C>T (p.Pro754=)

Gene: SEMA3F (semaphorin 3F; plus strand). Cytogenetic location: 3p21.31.
Variant type: single nucleotide variant.
Coding change: c.2262C>T on transcript NM_004186.5 (MANE Select); coding-DNA position 2262, C replaced by T.
Protein change: p.Pro754=; no amino-acid change (proline 754 retained).
Molecular consequence: synonymous variant.
Genome position (GRCh38, 1-based): chr3:50,188,019, C>T. VCF-style: chr3-50188019-C-T. GRCh37 (hg19) VCF-style: chr3-50225452-C-T.
Other names: c.1965C>T, p.Pro655= (NM_001318798.2); c.2169C>T, p.Pro723= (NM_001318800.2).
Identifiers: ClinVar variation 4986966 (VCV004986966.1).
Genomic context (GRCh38, chr3:50,188,019, plus strand): 5'-GGCCCAGCCAGAAGTGGGCCTCATCCACCAGTACTGCCAGGGTTACTGGCGCCATGTGCC[C>T]CCCAGCCCCAGGGAGGCTCCAGGGGCACCCCGGTCTCCTGAGCCCCAGGACCAGAAAAAG-3'
Protein context (NP_004177.3, residues 744-764): QYCQGYWRHV[Pro754=]PSPREAPGAP